The following is an entry in ClinVar:

NM_022835.3(PLEKHG2):c.2188G>A (p.Ala730Thr)

Gene: PLEKHG2 (pleckstrin homology and RhoGEF domain containing G2; plus strand). Cytogenetic location: 19q13.2.
Variant type: single nucleotide variant.
Coding change: c.2188G>A on transcript NM_022835.3 (MANE Select); coding-DNA position 2188, G replaced by A.
Protein change: p.Ala730Thr; replaces alanine 730 with threonine.
Molecular consequence: missense variant. On other transcripts: intron variant (1).
Genome position (GRCh38, 1-based): chr19:39,423,242, G>A. VCF-style: chr19-39423242-G-A. GRCh37 (hg19) VCF-style: chr19-39913882-G-A.
Other names: c.2011G>A, p.Ala671Thr (NM_001351693.2); c.1677+954G>A (NM_001351694.2); short protein forms A671T, A730T.
Identifiers: ClinVar variation 1299696 (VCV001299696.1), dbSNP rs140550857, ClinGen allele CA9429724.

ClinVar aggregate classification (germline): Uncertain significance (1 of 4 stars; one submission).

Conditions:
Leukodystrophy and acquired microcephaly with or without dystonia;. Also called: Leukodystrophy and acquired microcephaly with or without dystonia. Identifiers: MedGen C4225213, MONDO:0014766, OMIM 616763.

Allele frequency attached by ClinVar (database versions not stated): TOPMed 0.00001; ExAC 0.00001; gnomAD 0.00001; gnomAD exomes 0.00001 and below 0.00001; ESP Exome Variant Server 0.00008.
gnomAD v4.1: 10 of 1,613,710 alleles (0.00062%); highest among the groups gnomAD compares: Non-Finnish European, 0.00068%; no homozygotes.

Submission:

Breda Genetics srl
Classification: Uncertain significance for Leukodystrophy and acquired microcephaly with or without dystonia;. Last evaluated: 2020-09-22. Review status: criteria provided, single submitter. Criteria: ACMG Guidelines, 2015. Collection method: clinical testing. Allele origin: germline. Inheritance: Autosomal recessive inheritance. Affected: yes. Observed: 1 variant allele, 1 heterozygote.
Comment: Based on allele frequency, in-silico prediction scores and a certain overlap with the clinical phenotype, we interpreted this variant at least as of uncertain significance. The lack of one or more of the following features has discouraged further investigations: lack of a possible second hit in autosomal recessive conditions, presence of healthy controls in databases for autosomal dominant conditions, presence of unmatching cardinal clinical features in the patient or in the known gene-disease association, and/or variant type outside the known gene mutational spectrum.